The following is an entry in ClinVar:

NM_001114122.3(CHEK1):c.-160C>T

Genes: CHEK1 (checkpoint kinase 1; plus strand), LOC118567325 (uncharacterized LOC118567325; minus strand). Cytogenetic location: 11q24.2.
Variant type: single nucleotide variant.
Coding change: c.-160C>T on transcript NM_001114122.3 (MANE Select); 160 bases upstream of the start codon, C replaced by T.
Molecular consequence: 5 prime UTR variant. On other transcripts: non-coding transcript variant (2).
Genome position (GRCh38, 1-based): chr11:125,625,873, C>T. VCF-style: chr11-125625873-C-T. GRCh37 (hg19) VCF-style: chr11-125495768-C-T.
Other names: c.-160C>T (NM_001114121.2, NM_001244846.1); c.-239C>T (NM_001330427.2).
Identifiers: ClinVar variation 2633886 (VCV002633886.1), dbSNP rs1940569859, ClinGen allele CA383188973.

ClinVar aggregate classification (germline): Uncertain significance (1 of 4 stars; one submission).

Conditions:
CHEK1-related disorder. Also called: CHEK1-related condition.

Allele frequency attached by ClinVar (database versions not stated): gnomAD exomes below 0.00001.
gnomAD v4.1: 1 of 702,662 alleles (0.00014%); highest among the groups gnomAD compares: Non-Finnish European, 0.00026%; no homozygotes.

Submission:

PreventionGenetics, part of Exact Sciences
Classification: Uncertain significance for CHEK1-related condition. Last evaluated: 2023-03-03. Review status: criteria provided, single submitter. Criteria: ACMG Guidelines, 2015. Collection method: clinical testing. Allele origin: germline.
Comment: The CHEK1 c.113C>T variant is predicted to result in the amino acid substitution p.Ser38Leu. To our knowledge, this variant has not been reported in the literature or in a large population database, indicating this variant is rare. At this time, the clinical significance of this variant is uncertain due to the absence of conclusive functional and genetic evidence.